The following is an entry in ClinVar:

ClinVar aggregate classification (germline): Likely benign (1 of 4 stars; one submission).

Submission:

CeGaT Center for Human Genetics Tuebingen
Classification: Likely benign. Last evaluated: 2026-05-01. Review status: criteria provided, single submitter. Criteria: CeGaT Center For Human Genetics Tuebingen Variant Classification Criteria Version 2. Collection method: clinical testing. Allele origin: germline. Affected: yes. Observed: 1 variant allele.
Comment: HPDL: BP4, BP7

NM_032756.4(HPDL):c.570G>A (p.Pro190=)

Gene: HPDL (4-hydroxyphenylpyruvate dioxygenase like; plus strand). Cytogenetic location: 1p34.1.
Variant type: single nucleotide variant.
Coding change: c.570G>A on transcript NM_032756.4 (MANE Select); coding-DNA position 570, G replaced by A.
Protein change: p.Pro190=; no amino-acid change (proline 190 retained).
Molecular consequence: synonymous variant.
Genome position (GRCh38, 1-based): chr1:45,327,718, G>A. VCF-style: chr1-45327718-G-A. GRCh37 (hg19) VCF-style: chr1-45793390-G-A.
Identifiers: ClinVar variation 4872987 (VCV004872987.2).